The following is an entry in ClinVar:

ClinVar aggregate classification (germline): Uncertain significance (1 of 4 stars; one submission).

Conditions:
Hereditary cancer-predisposing syndrome. Also called: Neoplastic Syndromes, Hereditary; Hereditary neoplastic syndrome; Tumor predisposition; Hereditary Cancer Syndrome. Identifiers: Orphanet 140162, MedGen C0027672, MeSH D009386, MONDO:0015356.

Submission:

Ambry Genetics
Classification: Uncertain significance for Hereditary cancer-predisposing syndrome. Last evaluated: 2022-12-15. Review status: criteria provided, single submitter. Criteria: Ambry Variant Classification Scheme 2023. Collection method: clinical testing. Allele origin: germline.
Comment: The p.R330G variant (also known as c.988C>G), located in coding exon 11 of the CDC73 gene, results from a C to G substitution at nucleotide position 988. The arginine at codon 330 is replaced by glycine, an amino acid with dissimilar properties. This amino acid position is conserved. In addition, the in silico prediction for this alteration is inconclusive. Since supporting evidence is limited at this time, the clinical significance of this alteration remains unclear.

NM_024529.5(CDC73):c.988C>G (p.Arg330Gly)

Gene: CDC73 (cell division cycle 73; plus strand). Cytogenetic location: 1q31.2.
Variant type: single nucleotide variant.
Coding change: c.988C>G on transcript NM_024529.5 (MANE Select); coding-DNA position 988, C replaced by G.
Protein change: p.Arg330Gly; replaces arginine 330 with glycine.
Molecular consequence: missense variant.
Genome position (GRCh38, 1-based): chr1:193,203,810, C>G. VCF-style: chr1-193203810-C-G. GRCh37 (hg19) VCF-style: chr1-193172940-C-G.
Other names: short protein forms R330G.
Identifiers: ClinVar variation 2497615 (VCV002497615.2), dbSNP rs1244272523, ClinGen allele CA344076107.
Genomic context (GRCh38, chr1:193,203,810, plus strand): 5'-GTAAAGAAACTTTGATCTTATATATCAATTCTTATTCTTTTAAAGGAGGGTGCATCTGCC[C>G]GGAAGACTCAGACTCCTGCAGCCCAGCCAGTACCAAGACCAGGTAGAAATATAGAACTTT-3'
Protein context (NP_078805.3, residues 320-340): LKSVTEGASA[Arg330Gly]KTQTPAAQPV